The following is an entry in ClinVar:

ClinVar aggregate classification (germline): Likely benign. Review status: criteria provided, multiple submitters, no conflicts (2 of 4 stars). 2 submissions from 2 submitters: Likely benign (2). Last evaluated 2025-06-01.

Submissions (2):

CeGaT Center for Human Genetics Tuebingen
Classification: Likely benign. Last evaluated: 2025-06-01. Review status: criteria provided, single submitter. Criteria: CeGaT Center For Human Genetics Tuebingen Variant Classification Criteria Version 2. Collection method: clinical testing. Allele origin: germline. Affected: yes. Observed: 1 variant allele.
Comment: DIAPH1: PM2:Supporting, BP4, BP7

Blueprint Genetics
Classification: Likely benign. Last evaluated: 2023-03-07. Review status: criteria provided, single submitter. Criteria: ACMG Guidelines, 2015. Collection method: clinical testing. Allele origin: germline.

NM_005219.5(DIAPH1):c.2340G>A (p.Arg780=)

Gene: DIAPH1 (diaphanous related formin 1; minus strand). Cytogenetic location: 5q31.3.
Variant type: single nucleotide variant.
Coding change: c.2340G>A on transcript NM_005219.5 (MANE Select); coding-DNA position 2340, G replaced by A.
Protein change: p.Arg780=; no amino-acid change (arginine 780 retained).
Molecular consequence: synonymous variant.
Genome position (GRCh38, 1-based): chr5:141,573,510, C>T on the plus strand (G>A on the coding strand, the complement: DIAPH1 is on the minus strand). VCF-style: chr5-141573510-C-T. GRCh37 (hg19) VCF-style: chr5-140953077-C-T.
Other names: c.2313G>A, p.Arg771= (NM_001079812.3); c.2340G>A, p.Arg780= (NM_001314007.2).
Identifiers: ClinVar variation 3906086 (VCV003906086.11).